The following is an entry in ClinVar:

ClinVar aggregate classification (germline): Uncertain significance (0 of 4 stars; one submission).

Conditions:
CCT4-related disorder. Also called: CCT4-related condition.

Allele frequency attached by ClinVar (database versions not stated): gnomAD exomes below 0.00001; TOPMed below 0.00001; gnomAD 0.00001.
gnomAD v4.1: 6 of 1,603,414 alleles (0.00037%); highest among the groups gnomAD compares: Non-Finnish European, 0.00051%; no homozygotes.

Submission:

PreventionGenetics, part of Exact Sciences
Classification: Uncertain significance for CCT4-related condition. Last evaluated: 2024-07-30. Review status: no assertion criteria provided. Collection method: clinical testing. Allele origin: germline.
Comment: The CCT4 c.892C>T variant is predicted to result in the amino acid substitution p.Leu298Phe. To our knowledge, this variant has not been reported in the literature or in a large population database, indicating this variant is rare. At this time, the clinical significance of this variant is uncertain due to the absence of conclusive functional and genetic evidence.

NM_006430.4(CCT4):c.892C>T (p.Leu298Phe)

Gene: CCT4 (chaperonin containing TCP1 subunit 4; minus strand). Cytogenetic location: 2p15.
Variant type: single nucleotide variant.
Coding change: c.892C>T on transcript NM_006430.4 (MANE Select); coding-DNA position 892, C replaced by T.
Protein change: p.Leu298Phe; replaces leucine 298 with phenylalanine.
Molecular consequence: missense variant.
Genome position (GRCh38, 1-based): chr2:61,876,120, G>A on the plus strand (C>T on the coding strand, the complement: CCT4 is on the minus strand). VCF-style: chr2-61876120-G-A. GRCh37 (hg19) VCF-style: chr2-62103255-G-A.
Other names: c.802C>T, p.Leu268Phe (NM_001256721.1); short protein forms L268F, L298F.
Identifiers: ClinVar variation 2637153 (VCV002637153.2), dbSNP rs1802065, ClinGen allele CA48473707.